The following is an entry in ClinVar:

ClinVar aggregate classification (germline): Likely benign (1 of 4 stars; one submission).

Allele frequency attached by ClinVar (database versions not stated): gnomAD 0.00889 and 0.01096; TOPMed 0.01355; 1000 Genomes Project 30x 0.04703; 1000 Genomes Project 0.04954.
gnomAD v4.1: 1,216 of 111,832 alleles (1.1%); highest among the groups gnomAD compares: East Asian, 19%; 60 homozygotes.

Submission:

GeneDx
Classification: Likely benign. Last evaluated: 2018-06-19. Review status: criteria provided, single submitter. Criteria: GeneDx Variant Classification (06012015). Collection method: clinical testing. Allele origin: germline. Affected: yes.
Comment: This variant is considered likely benign or benign based on one or more of the following criteria: it is a conservative change, it occurs at a poorly conserved position in the protein, it is predicted to be benign by multiple in silico algorithms, and/or has population frequency not consistent with disease.

NM_000052.7(ATP7A):c.120+194A>G

Gene: ATP7A (ATPase copper transporting alpha; plus strand). Cytogenetic location: Xq21.1.
Variant type: single nucleotide variant.
Coding change: c.120+194A>G on transcript NM_000052.7 (MANE Select); 194 bases into the intron after coding-DNA position 120, A replaced by G.
Molecular consequence: intron variant.
Genome position (GRCh38, 1-based): chrX:77,971,955, A>G. VCF-style: chrX-77971955-A-G. GRCh37 (hg19) VCF-style: chrX-77227452-A-G.
Other names: c.120+194A>G (NM_001282224.2).
Identifiers: ClinVar variation 678551 (VCV000678551.1), dbSNP rs139196328, ClinGen allele CA331097582.